The following is an entry in ClinVar:

NM_004006.3(DMD):c.2617T>G (p.Cys873Gly)

Gene: DMD (dystrophin; minus strand). Cytogenetic location: Xp21.1.
Variant type: single nucleotide variant.
Coding change: c.2617T>G on transcript NM_004006.3 (MANE Select); coding-DNA position 2617, T replaced by G.
Protein change: p.Cys873Gly; replaces cysteine 873 with glycine.
Molecular consequence: missense variant.
Genome position (GRCh38, 1-based): chrX:32,491,282, A>C on the plus strand (T>G on the coding strand, the complement: DMD is on the minus strand). VCF-style: chrX-32491282-A-C. GRCh37 (hg19) VCF-style: chrX-32509399-A-C.
Other names: c.2593T>G, p.Cys865Gly (NM_000109.4); c.2605T>G, p.Cys869Gly (NM_004009.3); c.2248T>G, p.Cys750Gly (NM_004010.3); short protein forms C750G, C865G, C869G, C873G.
Identifiers: ClinVar variation 1972868 (VCV001972868.3), dbSNP rs200872948, ClinGen allele CA412671805.

ClinVar aggregate classification (germline): Uncertain significance (1 of 4 stars; one submission).

Conditions:
Duchenne muscular dystrophy (DMD). Also called: MUSCULAR DYSTROPHY, PSEUDOHYPERTROPHIC PROGRESSIVE, DUCHENNE TYPE; Duchenne Muscular Dystrophy (DMD). Identifiers: Orphanet 98896, MedGen C0013264, MONDO:0010679, OMIM 310200.

gnomAD v4.1: 2 of 1,210,532 alleles (0.00017%); highest among the groups gnomAD compares: African/African-American, 0.0017%; no homozygotes.

Submission:

Labcorp Genetics (formerly Invitae), Labcorp
Classification: Uncertain significance for Duchenne muscular dystrophy. Last evaluated: 2026-01-14. Review status: criteria provided, single submitter. Criteria: Invitae Variant Classification Sherloc (09022015). Collection method: clinical testing. Allele origin: germline.
Comment: This sequence change replaces cysteine, which is neutral and slightly polar, with glycine, which is neutral and non-polar, at codon 873 of the DMD protein (p.Cys873Gly). This variant is present in population databases (no rsID available, gnomAD 0.02%). This variant has not been reported in the literature in individuals affected with DMD-related conditions. ClinVar contains an entry for this variant (Variation ID: 1972868). Invitae Evidence Modeling of protein sequence and biophysical properties (such as structural, functional, and spatial information, amino acid conservation, physicochemical variation, residue mobility, and thermodynamic stability) indicates that this missense variant is not expected to disrupt DMD protein function with a negative predictive value of 95%. Algorithms developed to predict the effect of sequence changes on RNA splicing suggest that this variant may create or strengthen a splice site. In summary, the available evidence is currently insufficient to determine the role of this variant in disease. Therefore, it has been classified as a Variant of Uncertain Significance.